The following is an entry in ClinVar:

ClinVar aggregate classification (germline): Uncertain significance (1 of 4 stars; one submission).

Conditions:
Familial cancer of breast. Also called: hereditary breast carcinoma; Hereditary breast cancer; BREAST CANCER, FAMILIAL. Identifiers: Orphanet 227535, MedGen C0346153, MONDO:0016419, OMIM 114480. Disease mechanism: loss of function.

Submission:

Labcorp Genetics (formerly Invitae), Labcorp
Classification: Uncertain significance for Familial cancer of breast. Last evaluated: 2022-05-18. Review status: criteria provided, single submitter. Criteria: Invitae Variant Classification Sherloc (09022015). Collection method: clinical testing. Allele origin: germline.
Comment: This variant has not been reported in the literature in individuals affected with BARD1-related conditions. This variant is not present in population databases (gnomAD no frequency). This sequence change replaces glycine, which is neutral and non-polar, with arginine, which is basic and polar, at codon 374 of the BARD1 protein (p.Gly374Arg). Algorithms developed to predict the effect of missense changes on protein structure and function (SIFT, PolyPhen-2, Align-GVGD) all suggest that this variant is likely to be tolerated. In summary, the available evidence is currently insufficient to determine the role of this variant in disease. Therefore, it has been classified as a Variant of Uncertain Significance.

NM_000465.4(BARD1):c.1120G>C (p.Gly374Arg)

Gene: BARD1 (BRCA1 associated RING domain 1; minus strand). Cytogenetic location: 2q35.
Variant type: single nucleotide variant.
Coding change: c.1120G>C on transcript NM_000465.4 (MANE Select); coding-DNA position 1120, G replaced by C.
Protein change: p.Gly374Arg; replaces glycine 374 with arginine.
Molecular consequence: missense variant. On other transcripts: non-coding transcript variant (2), intron variant (3).
Genome position (GRCh38, 1-based): chr2:214,780,754, C>G on the plus strand (G>C on the coding strand, the complement: BARD1 is on the minus strand). VCF-style: chr2-214780754-C-G. GRCh37 (hg19) VCF-style: chr2-215645478-C-G.
Other names: c.1063G>C, p.Gly355Arg (NM_001282543.2); c.159-28199G>C (NM_001282548.2); c.215+16307G>C (NM_001282545.2); c.364+11543G>C (NM_001282549.2); short protein forms G374R, G355R.
Identifiers: ClinVar variation 1996020 (VCV001996020.4), dbSNP rs1553622239, ClinGen allele CA350454019.